The following is an entry in ClinVar:

ClinVar aggregate classification (germline): Conflicting classifications of pathogenicity. Review status: criteria provided, conflicting classifications (1 of 4 stars). 3 submissions from 3 submitters: Uncertain significance (1); Likely benign (1). 1 of the submissions does not count toward it. Last evaluated 2026-01-26.

Conditions:
ADGRG1-related disorder. Also called: ADGRG1-related condition.
Bilateral frontoparietal polymicrogyria. Also called: CORTICAL DYSPLASIA, COMPLEX, WITH OTHER BRAIN MALFORMATIONS 14A (BILATERAL FRONTOPARIETAL); CEREBELLAR ATAXIA WITH NEURONAL MIGRATION DEFECT. Identifiers: Orphanet 101070, MedGen C1847352, MONDO:0011738, OMIM 606854.

Allele frequency attached by ClinVar (database versions not stated): ExAC 0.00002; gnomAD exomes 0.00004 and 0.00018; ESP Exome Variant Server 0.00008; TOPMed 0.00010.
gnomAD v4.1: 272 of 1,613,654 alleles (0.017%); highest among the groups gnomAD compares: Non-Finnish European, 0.022%; no homozygotes.

Submissions (3):

Labcorp Genetics (formerly Invitae), Labcorp
Classification: Likely benign. Last evaluated: 2026-01-26. Review status: criteria provided, single submitter. Criteria: Invitae Variant Classification Sherloc (09022015). Collection method: clinical testing. Allele origin: germline.

Illumina Laboratory Services, Illumina
Classification: Uncertain significance for Bilateral frontoparietal polymicrogyria. Last evaluated: 2018-01-13. Review status: criteria provided, single submitter. Criteria: ICSL Variant Classification Criteria 13 December 2019. Collection method: clinical testing. Allele origin: germline.

PreventionGenetics, part of Exact Sciences
Classification: Likely benign for ADGRG1-related condition. Last evaluated: 2023-12-20. Review status: no assertion criteria provided. Collection method: clinical testing. Allele origin: germline. Not counted in ClinVar's aggregate classification.
Comment: This variant is classified as likely benign based on ACMG/AMP sequence variant interpretation guidelines (Richards et al. 2015 PMID: 25741868, with internal and published modifications).

NM_201525.4(ADGRG1):c.726C>T (p.Pro242=)

Gene: ADGRG1 (adhesion G protein-coupled receptor G1; plus strand). Cytogenetic location: 16q21.
Variant type: single nucleotide variant.
Coding change: c.726C>T on transcript NM_201525.4 (MANE Select); coding-DNA position 726, C replaced by T.
Protein change: p.Pro242=; no amino-acid change (proline 242 retained).
Molecular consequence: synonymous variant.
Genome position (GRCh38, 1-based): chr16:57,654,091, C>T. VCF-style: chr16-57654091-C-T. GRCh37 (hg19) VCF-style: chr16-57688003-C-T.
Other names: c.726C>T (NM_005682.6); c.726C>T, p.Pro242= (NM_001145770.3, NM_001145771.3, NM_001145772.3 and 16 more transcripts); c.741C>T, p.Pro247= (NM_001145773.3, NM_001370433.1); c.216C>T, p.Pro72= (NM_001290142.2); c.201C>T, p.Pro67= (NM_001290143.2, NM_001290144.2, NM_001370451.1 and 2 more transcripts); c.570C>T, p.Pro190= (NM_001370442.1).
Identifiers: ClinVar variation 888058 (VCV000888058.14), dbSNP rs371342603, ClinGen allele CA8078492.